The following is an entry in ClinVar:

NM_005802.5(TOPORS):c.2171C>A (p.Thr724Asn)

Gene: TOPORS (TOP1 binding arginine/serine rich protein, E3 ubiquitin ligase; minus strand). Cytogenetic location: 9p21.1.
Variant type: single nucleotide variant.
Coding change: c.2171C>A on transcript NM_005802.5 (MANE Select); coding-DNA position 2171, C replaced by A.
Protein change: p.Thr724Asn; replaces threonine 724 with asparagine.
Molecular consequence: missense variant.
Genome position (GRCh38, 1-based): chr9:32,542,354, G>T on the plus strand (C>A on the coding strand, the complement: TOPORS is on the minus strand). VCF-style: chr9-32542354-G-T. GRCh37 (hg19) VCF-style: chr9-32542352-G-T.
Other names: c.1976C>A, p.Thr659Asn (NM_001195622.2); short protein forms T724N, T659N.
Identifiers: ClinVar variation 2550520 (VCV002550520.4), dbSNP rs201532113, ClinGen allele CA192358569.

ClinVar aggregate classification (germline): Uncertain significance. Review status: criteria provided, multiple submitters, no conflicts (2 of 4 stars). 2 submissions from 2 submitters: Uncertain significance (2). Last evaluated 2025-08-12.

Conditions:
Inborn genetic diseases. Identifiers: MedGen C0950123, MeSH D030342.

Submissions (2):

Labcorp Genetics (formerly Invitae), Labcorp
Classification: Uncertain significance. Last evaluated: 2025-08-12. Review status: criteria provided, single submitter. Criteria: Invitae Variant Classification Sherloc (09022015). Collection method: clinical testing. Allele origin: germline.
Comment: This sequence change replaces threonine, which is neutral and polar, with asparagine, which is neutral and polar, at codon 724 of the TOPORS protein (p.Thr724Asn). This variant is not present in population databases (gnomAD no frequency). This variant has not been reported in the literature in individuals affected with TOPORS-related conditions. ClinVar contains an entry for this variant (Variation ID: 2550520). Experimental studies and prediction algorithms are not available or were not evaluated, and the functional significance of this variant is currently unknown. In summary, the available evidence is currently insufficient to determine the role of this variant in disease. Therefore, it has been classified as a Variant of Uncertain Significance.

Ambry Genetics
Classification: Uncertain significance for Inborn genetic diseases. Last evaluated: 2023-05-23. Review status: criteria provided, single submitter. Criteria: Ambry Variant Classification Scheme 2023. Collection method: clinical testing. Allele origin: germline.